The following is an entry in ClinVar:

ClinVar aggregate classification (germline): Uncertain significance. Review status: criteria provided, multiple submitters, no conflicts (2 of 4 stars). 2 submissions from 2 submitters: Uncertain significance (2). Last evaluated 2025-01-06.

Conditions:
Inborn genetic diseases. Identifiers: MedGen C0950123, MeSH D030342.

Allele frequency attached by ClinVar (database versions not stated): ExAC 0.00002; gnomAD exomes 0.00002; gnomAD 0.00013; 1000 Genomes Project 30x 0.00016; 1000 Genomes Project 0.00020; TOPMed 0.00028.
gnomAD v4.1: 34 of 1,612,282 alleles (0.0021%); highest among the groups gnomAD compares: Admixed American, 0.04%; no homozygotes.

Submissions (2):

Labcorp Genetics (formerly Invitae), Labcorp
Classification: Uncertain significance. Last evaluated: 2025-01-06. Review status: criteria provided, single submitter. Criteria: Invitae Variant Classification Sherloc (09022015). Collection method: clinical testing. Allele origin: germline.
Comment: This sequence change replaces isoleucine, which is neutral and non-polar, with threonine, which is neutral and polar, at codon 271 of the TNFRSF11B protein (p.Ile271Thr). This variant is present in population databases (rs558927039, gnomAD 0.009%). This variant has not been reported in the literature in individuals affected with TNFRSF11B-related conditions. ClinVar contains an entry for this variant (Variation ID: 1352061). Invitae Evidence Modeling of protein sequence and biophysical properties (such as structural, functional, and spatial information, amino acid conservation, physicochemical variation, residue mobility, and thermodynamic stability) indicates that this missense variant is not expected to disrupt TNFRSF11B protein function with a negative predictive value of 80%. In summary, the available evidence is currently insufficient to determine the role of this variant in disease. Therefore, it has been classified as a Variant of Uncertain Significance.

Ambry Genetics
Classification: Uncertain significance for Inborn genetic diseases. Last evaluated: 2023-11-21. Review status: criteria provided, single submitter. Criteria: Ambry Variant Classification Scheme 2023. Collection method: clinical testing. Allele origin: germline.

NM_002546.4(TNFRSF11B):c.812T>C (p.Ile271Thr)

Gene: TNFRSF11B (TNF receptor superfamily member 11b; minus strand). Cytogenetic location: 8q24.12.
Variant type: single nucleotide variant.
Coding change: c.812T>C on transcript NM_002546.4 (MANE Select); coding-DNA position 812, T replaced by C.
Protein change: p.Ile271Thr; replaces isoleucine 271 with threonine.
Molecular consequence: missense variant.
Genome position (GRCh38, 1-based): chr8:118,926,499, A>G on the plus strand (T>C on the coding strand, the complement: TNFRSF11B is on the minus strand). VCF-style: chr8-118926499-A-G. GRCh37 (hg19) VCF-style: chr8-119938738-A-G.
Other names: c.812T>C (NM_002546.3); short protein forms I271T.
Identifiers: ClinVar variation 1352061 (VCV001352061.7), dbSNP rs558927039, ClinGen allele CA4854828.